The following is an entry in ClinVar:

ClinVar aggregate classification (germline): Uncertain significance (1 of 4 stars; one submission).

Conditions:
Bethlem myopathy 1A. Also called: MYOPATHY, BENIGN CONGENITAL, WITH CONTRACTURES; Bethlem myopathy 1; Bethlem Muscular Dystrophy. Identifiers: Orphanet 610, MedGen CN029274, MONDO:0024530, OMIM 158810.

gnomAD v4.1: 5 of 1,613,408 alleles (0.00031%); highest among the groups gnomAD compares: African/African-American, 0.004%; no homozygotes.

Submission:

Labcorp Genetics (formerly Invitae), Labcorp
Classification: Uncertain significance for Bethlem myopathy 1A. Last evaluated: 2025-10-02. Review status: criteria provided, single submitter. Criteria: Invitae Variant Classification Sherloc (09022015). Collection method: clinical testing. Allele origin: germline.
Comment: This sequence change replaces valine, which is neutral and non-polar, with leucine, which is neutral and non-polar, at codon 147 of the COL6A3 protein (p.Val147Leu). This variant is not present in population databases (gnomAD no frequency). This variant has not been reported in the literature in individuals affected with COL6A3-related conditions. ClinVar contains an entry for this variant (Variation ID: 1987272). Invitae Evidence Modeling of protein sequence and biophysical properties (such as structural, functional, and spatial information, amino acid conservation, physicochemical variation, residue mobility, and thermodynamic stability) indicates that this missense variant is not expected to disrupt COL6A3 protein function with a negative predictive value of 95%. In summary, the available evidence is currently insufficient to determine the role of this variant in disease. Therefore, it has been classified as a Variant of Uncertain Significance.

NM_004369.4(COL6A3):c.439G>C (p.Val147Leu)

Gene: COL6A3 (collagen type VI alpha 3 chain; minus strand). Cytogenetic location: 2q37.3.
Variant type: single nucleotide variant.
Coding change: c.439G>C on transcript NM_004369.4 (MANE Select); coding-DNA position 439, G replaced by C.
Protein change: p.Val147Leu; replaces valine 147 with leucine.
Molecular consequence: missense variant. On other transcripts: intron variant (4).
Genome position (GRCh38, 1-based): chr2:237,394,857, C>G on the plus strand (G>C on the coding strand, the complement: COL6A3 is on the minus strand). VCF-style: chr2-237394857-C-G. GRCh37 (hg19) VCF-style: chr2-238303500-C-G.
Other names: c.91+1870G>C (NM_057166.5, NM_057167.4, NM_057164.5 and 1 more transcripts); short protein forms V147L.
Identifiers: ClinVar variation 1987272 (VCV001987272.4), dbSNP rs536452909, ClinGen allele CA67842062.